The following is an entry in ClinVar:

NM_007194.4(CHEK2):c.420C>T (p.Ser140=)

Gene: CHEK2 (checkpoint kinase 2; minus strand). Cytogenetic location: 22q12.1.
Variant type: single nucleotide variant.
Coding change: c.420C>T on transcript NM_007194.4 (MANE Select); coding-DNA position 420, C replaced by T.
Protein change: p.Ser140=; no amino-acid change (serine 140 retained).
Molecular consequence: synonymous variant.
Genome position (GRCh38, 1-based): chr22:28,725,267, G>A on the plus strand (C>T on the coding strand, the complement: CHEK2 is on the minus strand). VCF-style: chr22-28725267-G-A. GRCh37 (hg19) VCF-style: chr22-29121255-G-A.
Other names: c.549C>T, p.Ser183= (NM_001005735.3); c.-358C>T (NM_001257387.3); c.420C>T, p.Ser140= (NM_001349956.3, NM_145862.3).
Identifiers: ClinVar variation 646943 (VCV000646943.12), dbSNP rs1601825215, ClinGen allele CA514168966.
Genomic context (GRCh38, chr22:28,725,267, plus strand): 5'-CCAGCTCTCCTAGATACATGGGTATTCATTACCTACCCTGAAAATCCGAAAGTGTTTCTT[G>A]CTGTATGTTCGGTATTTATCTGTTCTTTTCAGCAGTGGTTCATCAAAGCAATATTCACAG-3'
Protein context (NP_009125.1, residues 130-150): LKRTDKYRTY[Ser140=]KKHFRIFREV

ClinVar aggregate classification (germline): Conflicting classifications of pathogenicity. Review status: criteria provided, conflicting classifications (1 of 4 stars). 2 submissions from 2 submitters: Uncertain significance (1); Likely benign (1). Last evaluated 2026-03-30.

Conditions:
Hereditary cancer-predisposing syndrome. Also called: Tumor predisposition; Hereditary Cancer Syndrome; Neoplastic Syndromes, Hereditary; Hereditary neoplastic syndrome. Identifiers: Orphanet 140162, MedGen C0027672, MeSH D009386, MONDO:0015356.
Familial cancer of breast. Also called: hereditary breast carcinoma; Hereditary breast cancer; BREAST CANCER, FAMILIAL. Identifiers: Orphanet 227535, MedGen C0346153, MONDO:0016419, OMIM 114480. Disease mechanism: loss of function.

Submissions (2):

Ambry Genetics
Classification: Likely benign for Hereditary cancer-predisposing syndrome. Last evaluated: 2026-03-30. Review status: criteria provided, single submitter. Criteria: Ambry Variant Classification Scheme 2023. Collection method: clinical testing. Allele origin: germline.

Labcorp Genetics (formerly Invitae), Labcorp
Classification: Uncertain significance for Familial cancer of breast. Last evaluated: 2022-12-01. Review status: criteria provided, single submitter. Criteria: Invitae Variant Classification Sherloc (09022015). Collection method: clinical testing. Allele origin: germline.
Comment: This variant has not been reported in the literature in individuals affected with CHEK2-related conditions. ClinVar contains an entry for this variant (Variation ID: 646943). This sequence change affects codon 140 of the CHEK2 mRNA. It is a 'silent' change, meaning that it does not change the encoded amino acid sequence of the CHEK2 protein. This variant is not present in population databases (gnomAD no frequency). In summary, the available evidence is currently insufficient to determine the role of this variant in disease. Therefore, it has been classified as a Variant of Uncertain Significance. Algorithms developed to predict the effect of sequence changes on RNA splicing suggest that this variant may create or strengthen a splice site.